The following is an entry in ClinVar:

ClinVar aggregate classification (germline): Uncertain significance. Review status: criteria provided, multiple submitters, no conflicts (2 of 4 stars). 2 submissions from 2 submitters: Uncertain significance (2). Last evaluated 2025-04-12.

Conditions:
Arterial tortuosity syndrome (ATORS). Identifiers: Orphanet 3342, MedGen C1859726, MONDO:0008818, OMIM 208050.
Familial thoracic aortic aneurysm and aortic dissection (TAAD). Also called: Thoracic aortic aneurysms and dissections. Identifiers: Orphanet 91387, MedGen C4707243, MONDO:0019625.

gnomAD v4.1: 1 of 1,613,636 alleles (0.000062%); highest among the groups gnomAD compares: Non-Finnish European, 0.000085%; no homozygotes.

Submissions (2):

Ambry Genetics
Classification: Uncertain significance for Familial thoracic aortic aneurysm and aortic dissection. Last evaluated: 2025-04-12. Review status: criteria provided, single submitter. Criteria: Ambry Variant Classification Scheme 2023. Collection method: clinical testing. Allele origin: germline.
Comment: The p.G445R variant (also known as c.1333G>A), located in coding exon 3 of the SLC2A10 gene, results from a G to A substitution at nucleotide position 1333. The glycine at codon 445 is replaced by arginine, an amino acid with dissimilar properties. This amino acid position is conserved. In addition, this alteration is predicted to be deleterious by in silico analysis. Based on the available evidence, the clinical significance of this variant remains unclear.

Labcorp Genetics (formerly Invitae), Labcorp
Classification: Uncertain significance for Arterial tortuosity syndrome. Last evaluated: 2024-03-26. Review status: criteria provided, single submitter. Criteria: Invitae Variant Classification Sherloc (09022015). Collection method: clinical testing. Allele origin: germline.
Comment: This sequence change replaces glycine, which is neutral and non-polar, with arginine, which is basic and polar, at codon 445 of the SLC2A10 protein (p.Gly445Arg). This variant is not present in population databases (gnomAD no frequency). This variant has not been reported in the literature in individuals affected with SLC2A10-related conditions. Advanced modeling of protein sequence and biophysical properties (such as structural, functional, and spatial information, amino acid conservation, physicochemical variation, residue mobility, and thermodynamic stability) performed at Invitae indicates that this missense variant is expected to disrupt SLC2A10 protein function with a positive predictive value of 95%. In summary, the available evidence is currently insufficient to determine the role of this variant in disease. Therefore, it has been classified as a Variant of Uncertain Significance.

NM_030777.4(SLC2A10):c.1333G>A (p.Gly445Arg)

Gene: SLC2A10 (solute carrier family 2 member 10; plus strand). Cytogenetic location: 20q13.12.
Variant type: single nucleotide variant.
Coding change: c.1333G>A on transcript NM_030777.4 (MANE Select); coding-DNA position 1333, G replaced by A.
Protein change: p.Gly445Arg; replaces glycine 445 with arginine.
Molecular consequence: missense variant.
Genome position (GRCh38, 1-based): chr20:46,726,908, G>A. VCF-style: chr20-46726908-G-A. GRCh37 (hg19) VCF-style: chr20-45355547-G-A.
Other names: c.1333G>A (NM_030777.3); short protein forms G445R.
Identifiers: ClinVar variation 3714562 (VCV003714562.2).